The following is an entry in ClinVar:

ClinVar aggregate classification (germline): Pathogenic (1 of 4 stars; one submission).

Conditions:
Polycystic liver disease 2 (PCLD2). Also called: Polycystic liver disease 2 with or without kidney cysts. Identifiers: Orphanet 2924, MedGen C4310769, MONDO:0014860, OMIM 617004.

Submission:

Victorian Clinical Genetics Services, Murdoch Childrens Research Institute
Classification: Pathogenic for Polycystic liver disease 2. Last evaluated: 2020-06-11. Review status: criteria provided, single submitter. Criteria: ACMG Guidelines, 2015. Collection method: clinical testing. Allele origin: germline. Inheritance: Autosomal dominant inheritance.
Comment: Based on the classification scheme VCGS_Germline_v1.1.1, this variant is classified as Pathogenic. Following criteria are met: 0102 - Loss-of-function is a known mechanism of disease for this gene. (N) 0107 - This gene is known to be associated with autosomal dominant disease. (N) 0201 - Variant is predicted to cause nonsense-mediated decay (NMD) and loss of protein (exon 12 of 21). (P) 0251 - Variant is heterozygous. (N) 0301 - Variant is absent from gnomAD. (P) 0702 - Comparable variants have strong previous evidence for pathogenicity. At least 5 other NMD-predicted variants have previously been reported as pathogenic in patients with polycystic liver disease (ClinVar). (P) 0807 - Variant has not previously been reported in a clinical context. (N) 0905 - No segregation evidence has been identified for this variant. (N) 1007 - No published functional evidence has been identified for this variant. (N) 1102 - Strong phenotype match. (P) 1208 - Inheritance information for this variant is not currently available. (N) Legend: (P) - Pathogenic, (N) - Neutral, (B) - Benign

NM_007214.5(SEC63):c.1094dup (p.Asn365fs)

Gene: SEC63 (SEC63 homolog, protein translocation regulator; minus strand). Cytogenetic location: 6q21.
Variant type: Duplication.
Coding change: c.1094dup on transcript NM_007214.5 (MANE Select); coding-DNA position 1094, one base duplicated (A; older notation c.1094dupA).
Protein change: p.Asn365fs; shifts the reading frame from asparagine 365.
Molecular consequence: frameshift variant.
Genome position (GRCh38, 1-based): chr6:107,902,959, T duplicated on the plus strand (A on the coding strand, the reverse complement: SEC63 is on the minus strand); the first of 4 consecutive T bases (chr6:107,902,959-107,902,962); duplicating any one gives the same sequence. VCF-style (leftmost placement, unchanged base first): chr6-107902958-G-GT. GRCh37 (hg19) VCF-style: chr6-108224162-G-GT.
Other names: short protein forms N365fs.
Identifiers: ClinVar variation 1805345 (VCV001805345.1), dbSNP rs2482059146, ClinGen allele CA923726213.